The following is an entry in ClinVar:

ClinVar aggregate classification (germline): Pathogenic/Likely pathogenic. Review status: criteria provided, multiple submitters, no conflicts (2 of 4 stars). 3 submissions from 3 submitters: Pathogenic (1); Likely pathogenic (2). Last evaluated 2024-02-14.

Conditions:
TMEM216-related disorder. Also called: TMEM216-related disorders; TMEM216-related condition.
Joubert syndrome 2 (JBTS2). Also called: CEREBELLOOCULORENAL SYNDROME 2. Identifiers: Orphanet 2318, MedGen C1842577, MONDO:0011963, OMIM 608091.
Joubert syndrome. Also called: JOUBERT-BOLTSHAUSER SYNDROME; Familial aplasia of the vermis. Identifiers: Orphanet 475, MedGen C5979921, MONDO:0018772.

Allele frequency attached by ClinVar (database versions not stated): gnomAD 0.00001; TOPMed 0.00001.

Submissions (3):

Baylor Genetics
Classification: Likely pathogenic for Joubert syndrome 2. Last evaluated: 2024-02-14. Review status: criteria provided, single submitter. Criteria: ACMG Guidelines, 2015. Collection method: clinical testing. Allele origin: unknown.

Labcorp Genetics (formerly Invitae), Labcorp
Classification: Pathogenic for Joubert syndrome. Last evaluated: 2023-06-06. Review status: criteria provided, single submitter. Criteria: Invitae Variant Classification Sherloc (09022015). Collection method: clinical testing. Allele origin: germline.
Comment: This sequence change creates a premature translational stop signal (p.Trp29*) in the TMEM216 gene. It is expected to result in an absent or disrupted protein product. Loss-of-function variants in TMEM216 are known to be pathogenic (PMID: 20512146). This variant is not present in population databases (gnomAD no frequency). This variant has not been reported in the literature in individuals affected with TMEM216-related conditions. ClinVar contains an entry for this variant (Variation ID: 1073194). For these reasons, this variant has been classified as Pathogenic.

Blueprint Genetics
Classification: Likely pathogenic for TMEM216-related disorders. Last evaluated: 2019-07-31. Review status: criteria provided, single submitter. Criteria: ACMG Guidelines, 2015. Collection method: clinical testing. Allele origin: germline. Affected: yes. Observed: 2 variant alleles.

Literature cited by the submitters: PubMed 20512146 (cited by Labcorp Genetics (formerly Invitae), Labcorp).

NM_001173990.3(TMEM216):c.87G>A (p.Trp29Ter)

Gene: TMEM216 (transmembrane protein 216; plus strand). Cytogenetic location: 11q12.2.
Variant type: single nucleotide variant.
Coding change: c.87G>A on transcript NM_001173990.3 (MANE Select); coding-DNA position 87, G replaced by A.
Protein change: p.Trp29Ter; replaces tryptophan 29 with a stop codon.
Molecular consequence: nonsense. On other transcripts: 5 prime UTR variant (2).
Genome position (GRCh38, 1-based): chr11:61,393,283, G>A. VCF-style: chr11-61393283-G-A. GRCh37 (hg19) VCF-style: chr11-61160755-G-A.
Other names: c.87G>A, p.Trp29Ter (NM_001173991.3); c.-97G>A (NM_001330285.2, NM_016499.6); short protein forms W29*.
Identifiers: ClinVar variation 1073194 (VCV001073194.9), dbSNP rs1304320833, ClinGen allele CA380684642.
Genomic context (GRCh38, chr11:61,393,283, plus strand): 5'-TTTTTCAGGTAAACGGTTGTCCTCCACCCCGCTGGAAATCCTGTTCTTTCTGAACGGGTG[G>A]TATAATGCTACCTATTTCCTGCTGGAACTTTTCATATTTCTGTATAAAGGTAAGGAAGGC-3'